The following is an entry in ClinVar:

ClinVar aggregate classification (germline): Pathogenic/Likely pathogenic. Review status: criteria provided, multiple submitters, no conflicts (2 of 4 stars). 2 submissions from 2 submitters: Pathogenic (1); Likely pathogenic (1). Last evaluated 2026-01-19.

Conditions:
Achondrogenesis, type IB (ACG1B). Also called: Achondrogenesis Type 1B. Identifiers: Orphanet 932, Orphanet 93298, MedGen C0265274, MONDO:0010966, OMIM 600972.
Diastrophic dysplasia (DTD). Also called: Diastrophic dwarfism. Identifiers: Orphanet 628, MedGen C0220726, MONDO:0009107, OMIM 222600.
Multiple epiphyseal dysplasia type 4 (EDM4). Also called: Multiple Epiphyseal Dysplasia, Recessive; MULTIPLE EPIPHYSEAL DYSPLASIA WITH BILAYERED PATELLAE; MULTIPLE EPIPHYSEAL DYSPLASIA WITH CLUBFOOT; MULTIPLE EPIPHYSEAL DYSPLASIA, AUTOSOMAL RECESSIVE; SLC26A2-Related Multiple Epiphyseal Dysplasia. Identifiers: Orphanet 93307, MedGen C1847593, MONDO:0009189, OMIM 226900.
Atelosteogenesis type II (AO2). Also called: NEONATAL OSSEOUS DYSPLASIA I; Neonatal osseous dysplasia 1; SLC26A2-Related Atelosteogenesis. Identifiers: Orphanet 56304, MedGen C1850554, MONDO:0009727, OMIM 256050.

Submissions (2):

Natera, Inc.
Classification: Likely pathogenic for Achondrogenesis type IB. Last evaluated: 2026-01-19. Review status: criteria provided, single submitter. Criteria: Natera Variant Classification Schema (03/2026). Collection method: clinical testing. Allele origin: germline.
Comment: The c.916_929dup variant in SLC26A2 is a frameshift variant predicted to shift the reading frame beginning at codon 311 and leads to a stop codon 36 codons downstream. This variant is expected to result in nonsense mediated decay, truncation, or a dysfunctional protein product. This variant is rare in the general population with a frequency below the threshold expected for the associated phenotype(s). Given the available evidence, this variant is classified as Likely Pathogenic.

Labcorp Genetics (formerly Invitae), Labcorp
Classification: Pathogenic for Atelosteogenesis type II; Multiple epiphyseal dysplasia type 4; Achondrogenesis, type IB; Diastrophic dysplasia. Last evaluated: 2023-09-04. Review status: criteria provided, single submitter. Criteria: Invitae Variant Classification Sherloc (09022015). Collection method: clinical testing. Allele origin: germline.
Comment: This sequence change creates a premature translational stop signal (p.Cys311Serfs*36) in the SLC26A2 gene. While this is not anticipated to result in nonsense mediated decay, it is expected to disrupt the last 429 amino acid(s) of the SLC26A2 protein. For these reasons, this variant has been classified as Pathogenic. This variant disrupts a region of the SLC26A2 protein in which other variant(s) (p.Ala715Val) have been determined to be pathogenic (PMID: 11448940, 15294877, 21077204). This suggests that this is a clinically significant region of the protein, and that variants that disrupt it are likely to be disease-causing. This variant has not been reported in the literature in individuals affected with SLC26A2-related conditions. This variant is present in population databases (no rsID available, gnomAD 0.003%).

Literature cited by the submitters: PubMed 11448940 (cited by Labcorp Genetics (formerly Invitae), Labcorp); PubMed 15294877 (cited by Labcorp Genetics (formerly Invitae), Labcorp); PubMed 21077204 (cited by Labcorp Genetics (formerly Invitae), Labcorp).

NM_000112.4(SLC26A2):c.916_929dup (p.Cys311fs)

Gene: SLC26A2 (solute carrier family 26 member 2; plus strand). Cytogenetic location: 5q32.
Variant type: Duplication.
Coding change: c.916_929dup on transcript NM_000112.4 (MANE Select); coding-DNA positions 916 to 929, 14 bases duplicated (ATCACCAGCCTTTT).
Protein change: p.Cys311fs; shifts the reading frame from cysteine 311.
Molecular consequence: frameshift variant.
Genome position (GRCh38, 1-based): chr5:149,980,509-149,980,522, ATCACCAGCCTTTT duplicated; duplicating any 14 consecutive bases within chr5:149,980,507-149,980,522 gives the same sequence; the c. name uses the placement nearest the transcript's 3' end. VCF-style (leftmost placement, unchanged base first): chr5-149980506-C-CTTATCACCAGCCTT. GRCh37 (hg19) VCF-style: chr5-149360069-C-CTTATCACCAGCCTT.
Other names: short protein forms C311fs.
Identifiers: ClinVar variation 2934455 (VCV002934455.4), dbSNP rs1454706390, ClinGen allele CA563955702.
Genomic context (GRCh38, chr5:149,980,506, plus strand): 5'-TCACTCATCACTACCTGGATACATGTCTTCAGAAACATCCATAAGACCAATCTCTGTGAT[C>CTTATCACCAGCCTT]TTATCACCAGCCTTTTGTGCCTTTTGGTTCTTTTGCCAACCAAAGAACTCAATGAACACT-3'